The following is an entry in ClinVar:

NM_004373.4(COX6A1):c.226C>A (p.His76Asn)

Gene: COX6A1 (cytochrome c oxidase subunit 6A1; plus strand). Cytogenetic location: 12q24.31.
Variant type: single nucleotide variant.
Coding change: c.226C>A on transcript NM_004373.4 (MANE Select); coding-DNA position 226, C replaced by A.
Protein change: p.His76Asn; replaces histidine 76 with asparagine.
Molecular consequence: missense variant.
Genome position (GRCh38, 1-based): chr12:120,438,501, C>A. VCF-style: chr12-120438501-C-A. GRCh37 (hg19) VCF-style: chr12-120876304-C-A.
Other names: short protein forms H76N.
Identifiers: ClinVar variation 2109792 (VCV002109792.1), dbSNP rs140243339, ClinGen allele CA244445910.
Genomic context (GRCh38, chr12:120,438,501, plus strand): 5'-AATGTGTACCTGAAGTCGCACCACGGAGAGCACGAGAGACCCGAGTTCATCGCCTACCCC[C>A]ATCTCCGCATCAGGACCAAGGTACGCCCTTGTACATCTCTTCAAGCGTCCGTTCTCTTTT-3'
Protein context (NP_004364.2, residues 66-86): HERPEFIAYP[His76Asn]LRIRTKPFPW

ClinVar aggregate classification (germline): Uncertain significance (1 of 4 stars; one submission).

Allele frequency attached by ClinVar (database versions not stated): 1000 Genomes Project 30x 0.00016; 1000 Genomes Project 0.00020.
gnomAD v4.1: 8 of 1,614,226 alleles (0.0005%); highest among the groups gnomAD compares: South Asian, 0.0077%; 1 homozygote.

Submission:

Labcorp Genetics (formerly Invitae), Labcorp
Classification: Uncertain significance. Last evaluated: 2022-06-03. Review status: criteria provided, single submitter. Criteria: Invitae Variant Classification Sherloc (09022015). Collection method: clinical testing. Allele origin: germline.
Comment: This sequence change replaces histidine, which is basic and polar, with asparagine, which is neutral and polar, at codon 76 of the COX6A1 protein (p.His76Asn). This variant is present in population databases (rs140243339, gnomAD 0.003%). This variant has not been reported in the literature in individuals affected with COX6A1-related conditions. Algorithms developed to predict the effect of missense changes on protein structure and function are either unavailable or do not agree on the potential impact of this missense change (SIFT: "Tolerated"; PolyPhen-2: "Probably Damaging"; Align-GVGD: "Class C0"). In summary, the available evidence is currently insufficient to determine the role of this variant in disease. Therefore, it has been classified as a Variant of Uncertain Significance.